The following is an entry in ClinVar:

NM_002282.3(KRT83):c.*174C>T

Gene: KRT83 (keratin 83; minus strand). Cytogenetic location: 12q13.13.
Variant type: single nucleotide variant.
Coding change: c.*174C>T on transcript NM_002282.3 (MANE Select); 174 bases downstream of the stop codon, C replaced by T.
Molecular consequence: 3 prime UTR variant.
Genome position (GRCh38, 1-based): chr12:52,314,457, G>A on the plus strand (C>T on the coding strand, the complement: KRT83 is on the minus strand). VCF-style: chr12-52314457-G-A. GRCh37 (hg19) VCF-style: chr12-52708241-G-A.
Identifiers: ClinVar variation 309489 (VCV000309489.9), dbSNP rs2852456, ClinGen allele CA10641844.
Genomic context (GRCh38, chr12:52,314,457, plus strand): 5'-TCCCCGGGAGGGGCTGAAGGCTGAGACAGGGGAAGGAATGGGTCTATTCCCCAGCCACAG[G>A]CCCCTTTCCAGTGGGATGAAAGGTGGGGAGGAGCCGCTGGTGGGAATGAGCCGATGGTGT-3'

ClinVar aggregate classification (germline): Benign. Review status: criteria provided, multiple submitters, no conflicts (2 of 4 stars). 3 submissions from 3 submitters: Benign (3). Last evaluated 2018-11-12.

Conditions:
Monilethrix. Also called: Beaded hair. Identifiers: Orphanet 573, MedGen C0546966, MONDO:0008009, HP:0032470.

Allele frequency attached by ClinVar (database versions not stated): gnomAD 0.70608 and 0.71024; 1000 Genomes Project 30x 0.71814; gnomAD exomes 0.65035; TOPMed 0.70798; 1000 Genomes Project 0.71086.
gnomAD v4.1: 456,258 of 687,802 alleles (66%); highest among the groups gnomAD compares: African/African-American, 85%; 152,949 homozygotes.

Submissions (3):

GeneDx
Classification: Benign. Last evaluated: 2018-11-12. Review status: criteria provided, single submitter. Criteria: GeneDx Variant Classification Process June 2021. Collection method: clinical testing. Allele origin: germline. Affected: yes.

Illumina Laboratory Services, Illumina
Classification: Benign for MONILETHRIX 1. Last evaluated: 2018-01-13. Review status: criteria provided, single submitter. Criteria: ICSL Variant Classification Criteria 13 December 2019. Collection method: clinical testing. Allele origin: germline.
Comment: This variant was observed in the ICSL laboratory as part of a predisposition screen in an ostensibly healthy population. It had not been previously curated by ICSL or reported in the Human Gene Mutation Database (HGMD: prior to June 1st, 2018), and was therefore a candidate for classification through an automated scoring system. Utilizing variant allele frequency, disease prevalence and penetrance estimates, and inheritance mode, an automated score was calculated to assess if this variant is too frequent to cause the disease. Based on the score and internal cut-off values, a variant classified as benign is not then subjected to further curation. The score for this variant resulted in a classification of benign for this disease.

Breakthrough Genomics
Classification: Benign. Review status: criteria provided, single submitter. Criteria: ACMG Guidelines, 2015. Collection method: not provided. Allele origin: germline. Inheritance: Autosomal recessive inheritance. Affected: yes.